The following is an entry in ClinVar:

Single allele

Gene: SPAST (spastin; plus strand). Cytogenetic location: 2p22.3.
Variant type: Deletion.
Identifiers: ClinVar variation 2684156 (VCV002684156.1).

ClinVar aggregate classification (germline): Pathogenic (1 of 4 stars; one submission).

Submission:

Athena Diagnostics
Classification: Pathogenic. Last evaluated: 2023-03-20. Review status: criteria provided, single submitter. Criteria: Athena Diagnostics Criteria. Collection method: clinical testing. Allele origin: unknown.
Comment: This deletion maintains the transcript's reading frame but is expected to disrupt protein function. Similar deletions of exons 8 to 9 have been identified in multiple unrelated individuals with spastic paraplegia and appears to segregate with disease in at least one family (PMID: 19423133, 25065914, 30476002). Similar variants have not been reported in large, multi-ethnic general populations (Genome Aggregation Database (gnomAD), Cambridge, MA (URL)).

Literature cited by the submitters: PubMed 30476002; PubMed 25065914; PubMed 19423133.